The following is an entry in ClinVar:

NM_004260.4(RECQL4):c.3046C>G (p.Pro1016Ala)

Gene: RECQL4 (RecQ like helicase 4; minus strand). Cytogenetic location: 8q24.3.
Variant type: single nucleotide variant.
Coding change: c.3046C>G on transcript NM_004260.4 (MANE Select); coding-DNA position 3046, C replaced by G.
Protein change: p.Pro1016Ala; replaces proline 1016 with alanine.
Molecular consequence: missense variant. On other transcripts: non-coding transcript variant (3).
Genome position (GRCh38, 1-based): chr8:144,512,401, G>C on the plus strand (C>G on the coding strand, the complement: RECQL4 is on the minus strand). VCF-style: chr8-144512401-G-C. GRCh37 (hg19) VCF-style: chr8-145737784-G-C.
Other names: c.2752C>G, p.Pro918Ala (NM_001413017.1); c.2848C>G, p.Pro950Ala (NM_001413018.1); c.3121C>G, p.Pro1041Ala (NM_001413019.1); c.2950C>G, p.Pro984Ala (NM_001413020.1); c.1975C>G, p.Pro659Ala (NM_001413021.1, NM_001413022.1, NM_001413024.1 and 4 more transcripts); c.2050C>G, p.Pro684Ala (NM_001413023.1); c.2917C>G, p.Pro973Ala (NM_001413025.1); c.1909C>G, p.Pro637Ala (NM_001413027.1, NM_001413030.1, NM_001413032.1); and 9 more; short protein forms P1006A, P662A, P684A, P527A, P615A, P899A, P972A, P984A.
Identifiers: ClinVar variation 3708791 (VCV003708791.2).

ClinVar aggregate classification (germline): Uncertain significance (1 of 4 stars; one submission).

Conditions:
Baller-Gerold syndrome (BGS). Also called: CRANIOSYNOSTOSIS WITH RADIAL DEFECTS. Identifiers: Orphanet 1225, MedGen C0265308, MONDO:0009039, OMIM 218600.

Submission:

Labcorp Genetics (formerly Invitae), Labcorp
Classification: Uncertain significance for Baller-Gerold syndrome. Last evaluated: 2024-08-27. Review status: criteria provided, single submitter. Criteria: Invitae Variant Classification Sherloc (09022015). Collection method: clinical testing. Allele origin: germline.
Comment: This sequence change replaces proline, which is neutral and non-polar, with alanine, which is neutral and non-polar, at codon 1016 of the RECQL4 protein (p.Pro1016Ala). This variant is not present in population databases (gnomAD no frequency). This variant has not been reported in the literature in individuals affected with RECQL4-related conditions. An algorithm developed to predict the effect of missense changes on protein structure and function outputs the following: PolyPhen-2: "Not Available". The alanine amino acid residue is found in multiple mammalian species, which suggests that this missense change does not adversely affect protein function. In summary, the available evidence is currently insufficient to determine the role of this variant in disease. Therefore, it has been classified as a Variant of Uncertain Significance.